The following is an entry in ClinVar:

ClinVar aggregate classification (germline): Uncertain significance (1 of 4 stars; one submission).

Submission:

Labcorp Genetics (formerly Invitae), Labcorp
Classification: Uncertain significance. Last evaluated: 2024-10-15. Review status: criteria provided, single submitter. Criteria: Invitae Variant Classification Sherloc (09022015). Collection method: clinical testing. Allele origin: germline.
Comment: This variant, c.1016_1018dup, results in the insertion of 1 amino acid(s) of the ERCC2 protein (p.Tyr339_Val340insAsp), but otherwise preserves the integrity of the reading frame. This variant is not present in population databases (gnomAD no frequency). This variant has not been reported in the literature in individuals affected with ERCC2-related conditions. ClinVar contains an entry for this variant (Variation ID: 2018452). In summary, the available evidence is currently insufficient to determine the role of this variant in disease. Therefore, it has been classified as a Variant of Uncertain Significance.

NM_000400.4(ERCC2):c.1016_1018dup (p.Tyr339_Val340insAsp)

Gene: ERCC2 (ERCC excision repair 2, TFIIH core complex helicase subunit; minus strand). Cytogenetic location: 19q13.32.
Variant type: Duplication.
Coding change: c.1016_1018dup on transcript NM_000400.4 (MANE Select); coding-DNA positions 1016 to 1018, 3 bases duplicated (ACG; older notation c.1016_1018dupACG).
Protein change: p.Tyr339_Val340insAsp.
Molecular consequence: inframe insertion.
Genome position (GRCh38, 1-based): chr19:45,363,843-45,363,845, CGT duplicated on the plus strand (ACG on the coding strand, the reverse complement: ERCC2 is on the minus strand). VCF-style (leftmost placement, unchanged base first): chr19-45363842-A-ACGT. GRCh37 (hg19) VCF-style: chr19-45867100-A-ACGT.
Other names: c.944_946dup, p.Tyr315_Val316insAsp (NM_001130867.2).
Identifiers: ClinVar variation 2018452 (VCV002018452.4), dbSNP rs2514028720, ClinGen allele CA2580097405.